The following is an entry in ClinVar:

ClinVar aggregate classification (germline): Conflicting classifications of pathogenicity. Review status: criteria provided, conflicting classifications (1 of 4 stars). 5 submissions from 5 submitters: Uncertain significance (4); Likely benign (1). Last evaluated 2025-12-19.

Conditions:
Brugada syndrome 8 (BRGDA8). Identifiers: Orphanet 130, MedGen C2751083, MONDO:0013148, OMIM 613123.
Sick sinus syndrome 2, autosomal dominant (SSS2). Also called: SICK SINUS SYNDROME 2; SICK SINUS SYNDROME 2 WITH OR WITHOUT CARDIAC NONCOMPACTION AND/OR ASCENDING AORTA DILATION; ATRIAL FIBRILLATION WITH BRADYARRHYTHMIA; SINUS BRADYCARDIA SYNDROME, FAMILIAL, AUTOSOMAL DOMINANT; SINUS NODE DISEASE, FAMILIAL, AUTOSOMAL DOMINANT. Identifiers: Orphanet 166282, MedGen C1834144, MONDO:0008102, OMIM 163800.
Epilepsy, idiopathic generalized, susceptibility to, 18. Identifiers: MedGen C5561983, MONDO:0030434, OMIM 619521.
Cardiovascular phenotype. Identifiers: MedGen CN230736.

Allele frequency attached by ClinVar (database versions not stated): TOPMed below 0.00001.
gnomAD v4.1: 3 of 1,594,142 alleles (0.00019%); highest among the groups gnomAD compares: Non-Finnish European, 0.00026%; no homozygotes.

Submissions (5):

Labcorp Genetics (formerly Invitae), Labcorp
Classification: Uncertain significance for Brugada syndrome 8. Last evaluated: 2025-12-19. Review status: criteria provided, single submitter. Criteria: Invitae Variant Classification Sherloc (09022015). Collection method: clinical testing. Allele origin: germline.
Comment: This sequence change replaces proline, which is neutral and non-polar, with arginine, which is basic and polar, at codon 990 of the HCN4 protein (p.Pro990Arg). This variant is present in population databases (no rsID available, gnomAD 0.001%). This variant has not been reported in the literature in individuals affected with HCN4-related conditions. ClinVar contains an entry for this variant (Variation ID: 1054163). Invitae Evidence Modeling of protein sequence and biophysical properties (such as structural, functional, and spatial information, amino acid conservation, physicochemical variation, residue mobility, and thermodynamic stability) indicates that this missense variant is not expected to disrupt HCN4 protein function with a negative predictive value of 95%. In summary, the available evidence is currently insufficient to determine the role of this variant in disease. Therefore, it has been classified as a Variant of Uncertain Significance.

Ambry Genetics
Classification: Uncertain significance for Cardiovascular phenotype. Last evaluated: 2025-02-27. Review status: criteria provided, single submitter. Criteria: Ambry Variant Classification Scheme 2023. Collection method: clinical testing. Allele origin: germline.

Blueprint Genetics
Classification: Likely benign. Last evaluated: 2023-05-02. Review status: criteria provided, single submitter. Criteria: ACMG Guidelines, 2015. Collection method: clinical testing. Allele origin: germline.

GeneDx
Classification: Uncertain significance. Last evaluated: 2022-12-06. Review status: criteria provided, single submitter. Criteria: GeneDx Variant Classification Process June 2021. Collection method: clinical testing. Allele origin: germline. Affected: yes.
Comment: Not observed at significant frequency in large population cohorts (gnomAD); In silico analysis supports that this missense variant does not alter protein structure/function; Has not been previously published as pathogenic or benign to our knowledge

Fulgent Genetics
Classification: Uncertain significance for Sick sinus syndrome 2, autosomal dominant; Brugada syndrome 8; Epilepsy, idiopathic generalized, susceptibility to, 18. Last evaluated: 2021-10-07. Review status: criteria provided, single submitter. Criteria: ACMG Guidelines, 2015. Collection method: clinical testing. Allele origin: unknown.

NM_005477.3(HCN4):c.2969C>G (p.Pro990Arg)

Gene: HCN4 (hyperpolarization activated cyclic nucleotide gated potassium channel 4; minus strand). Cytogenetic location: 15q24.1.
Variant type: single nucleotide variant.
Coding change: c.2969C>G on transcript NM_005477.3 (MANE Select); coding-DNA position 2969, C replaced by G.
Protein change: p.Pro990Arg; replaces proline 990 with arginine.
Molecular consequence: missense variant.
Genome position (GRCh38, 1-based): chr15:73,323,124, G>C on the plus strand (C>G on the coding strand, the complement: HCN4 is on the minus strand). VCF-style: chr15-73323124-G-C. GRCh37 (hg19) VCF-style: chr15-73615465-G-C.
Other names: short protein forms P990R.
Identifiers: ClinVar variation 1054163 (VCV001054163.11), dbSNP rs755329686, ClinGen allele CA393086637.